The following is an entry in ClinVar:

NM_023110.3(FGFR1):c.1614C>T (p.Ile538=)

Gene: FGFR1 (fibroblast growth factor receptor 1; minus strand). Cytogenetic location: 8p11.23.
Variant type: single nucleotide variant.
Coding change: c.1614C>T on transcript NM_023110.3 (MANE Select); coding-DNA position 1614, C replaced by T.
Protein change: p.Ile538=; no amino-acid change (isoleucine 538 retained).
Molecular consequence: synonymous variant.
Genome position (GRCh38, 1-based): chr8:38,417,355, G>A on the plus strand (C>T on the coding strand, the complement: FGFR1 is on the minus strand). VCF-style: chr8-38417355-G-A. GRCh37 (hg19) VCF-style: chr8-38274873-G-A.
Other names: c.1614C>T, p.Ile538= (NM_000604.2); c.1608C>T, p.Ile536= (NM_001174063.2, NM_001174065.2, NM_001354367.2 and 1 more transcripts); c.1584C>T, p.Ile528= (NM_001174064.2); c.1347C>T, p.Ile449= (NM_001174066.2, NM_023105.3); c.1707C>T, p.Ile569= (NM_001174067.2); c.1335C>T, p.Ile445= (NM_001354368.2); c.1602C>T, p.Ile534= (NM_001354369.2, NM_001410922.1); c.1341C>T, p.Ile447= (NM_001354370.2, NM_023106.3).
Identifiers: ClinVar variation 3032579 (VCV003032579.5), dbSNP rs747825610, ClinGen allele CA4718330.
Genomic context (GRCh38, chr8:38,417,355, plus strand): 5'-CCGGCACCCACCATCCTGCGTGCAGGCCCCCAGCAGGTTGATGATATTCTTATGCTTCCC[G>A]ATCATCTTCATCATCTCCATTTCTGAGATCAGGTCTGACAAGTCTTTCTCTGTTGCGTCC-3'
Protein context (NP_075598.2, residues 528-548): LISEMEMMKM[Ile538=]GKHKNIINLL

ClinVar aggregate classification (germline): Likely benign. Review status: criteria provided, multiple submitters, no conflicts (2 of 4 stars). 4 submissions from 4 submitters: Likely benign (3). 1 of the submissions does not count toward it. Last evaluated 2025-10-09.

Conditions:
FGFR1-related disorder. Also called: FGFR1-related disorders; FGFR1-related condition. Identifiers: MedGen CN380097.
Hypogonadotropic hypogonadism 2 with or without anosmia (HH2). Also called: HYPOGONADOTROPIC HYPOGONADISM 2 WITH OR WITHOUT ANOSMIA, SUSCEPTIBILITY TO; HYPOGONADOTROPIC HYPOGONADISM 2 WITHOUT ANOSMIA, SUSCEPTIBILITY TO; HYPOGONADOTROPIC HYPOGONADISM 2 WITHOUT ANOSMIA; FGFR1-Related GnRH Deficiency (Kallmann Syndrome 2). Identifiers: Orphanet 478, MedGen C1563720, MONDO:0007844, OMIM 147950. Disease mechanism: loss of function.
Pfeiffer syndrome (ACS5). Also called: ACS V. Identifiers: Orphanet 710, MedGen C0220658, MONDO:0007043, OMIM 101600.
Inborn genetic diseases. Identifiers: MedGen C0950123, MeSH D030342.

Allele frequency attached by ClinVar (database versions not stated): ExAC 0.00002; gnomAD 0.00003; 1000 Genomes Project 30x 0.00016.
gnomAD v4.1: 100 of 1,613,950 alleles (0.0062%); highest among the groups gnomAD compares: Non-Finnish European, 0.0079%; no homozygotes.

Submissions (4):

Labcorp Genetics (formerly Invitae), Labcorp
Classification: Likely benign for Pfeiffer syndrome; Hypogonadotropic hypogonadism 2 with or without anosmia. Last evaluated: 2025-10-09. Review status: criteria provided, single submitter. Criteria: Invitae Variant Classification Sherloc (09022015). Collection method: clinical testing. Allele origin: germline.

Ambry Genetics
Classification: Likely benign for Inborn genetic diseases. Last evaluated: 2024-06-19. Review status: criteria provided, single submitter. Criteria: Ambry Variant Classification Scheme 2023. Collection method: clinical testing. Allele origin: germline.

Blueprint Genetics
Classification: Likely benign. Last evaluated: 2021-04-23. Review status: criteria provided, single submitter. Criteria: ACMG Guidelines, 2015. Collection method: clinical testing. Allele origin: germline.

PreventionGenetics, part of Exact Sciences
Classification: Likely benign for FGFR1-related condition. Last evaluated: 2022-03-07. Review status: no assertion criteria provided. Collection method: clinical testing. Allele origin: germline. Not counted in ClinVar's aggregate classification.
Comment: This variant is classified as likely benign based on ACMG/AMP sequence variant interpretation guidelines (Richards et al. 2015 PMID: 25741868, with internal and published modifications).